The following is an entry in ClinVar:

ClinVar aggregate classification (germline): Benign/Likely benign. Review status: criteria provided, multiple submitters, no conflicts (2 of 4 stars). 7 submissions from 7 submitters: Benign (2); Likely benign (4). 1 of the submissions does not count toward it. Last evaluated 2026-01-28.

Conditions:
PDHA1-related disorder. Also called: PDHA1-related condition.
Inborn genetic diseases. Identifiers: MedGen C0950123, MeSH D030342.
Pyruvate dehydrogenase complex deficiency (PDHC). Also called: PYRUVATE DECARBOXYLASE DEFICIENCY; Pyruvate Dehydrogenase Complex Deficiency Disease; Pyruvate dehydrogenase deficiency; PDH DEFICIENCY; Ataxia with lactic acidosis 1. Identifiers: Orphanet 765, Orphanet 79243, MedGen C0034345, MONDO:0019169.
Pyruvate dehydrogenase E1-alpha deficiency (PDHAD). Also called: ATAXIA, INTERMITTENT, WITH PYRUVATE DEHYDROGENASE DEFICIENCY; ATAXIA WITH LACTIC ACIDOSIS I; ATAXIA, INTERMITTENT, WITH ABNORMAL PYRUVATE METABOLISM; Ataxia, intermittent, with pyruvate dehydrogenase, or decarboxylase, deficiency. Identifiers: Orphanet 79243, MedGen C1839413, MONDO:0010717, OMIM 312170.

Allele frequency attached by ClinVar (database versions not stated): gnomAD exomes 0.00017 and 0.00053; ExAC 0.00062; 1000 Genomes Project 30x 0.00146; gnomAD 0.00158 and 0.00170; 1000 Genomes Project 0.00159; TOPMed 0.00186; ESP Exome Variant Server 0.00265.
gnomAD v4.1: 382 of 1,207,412 alleles (0.032%); highest among the groups gnomAD compares: African/African-American, 0.56%; no homozygotes.

Submissions (7):

Labcorp Genetics (formerly Invitae), Labcorp
Classification: Benign for Pyruvate dehydrogenase E1-alpha deficiency. Last evaluated: 2026-01-28. Review status: criteria provided, single submitter. Criteria: Invitae Variant Classification Sherloc (09022015). Collection method: clinical testing. Allele origin: germline.

PreventionGenetics, part of Exact Sciences
Classification: Likely benign for PDHA1-related condition. Last evaluated: 2025-09-09. Review status: criteria provided, single submitter. Criteria: ACMG Guidelines, 2015. Collection method: clinical testing. Allele origin: germline.
Comment: This variant is classified as likely benign based on ACMG/AMP sequence variant interpretation guidelines (Richards et al. 2015 PMID: 25741868, with internal and published modifications).

Blueprint Genetics
Classification: Likely benign. Last evaluated: 2024-09-04. Review status: criteria provided, single submitter. Criteria: ACMG Guidelines, 2015. Collection method: clinical testing. Allele origin: germline.

GeneDx
Classification: Benign. Last evaluated: 2018-10-15. Review status: criteria provided, single submitter. Criteria: GeneDx Variant Classification Process June 2021. Collection method: clinical testing. Allele origin: germline. Affected: yes.

Ambry Genetics
Classification: Likely benign for Inborn genetic diseases. Last evaluated: 2014-11-24. Review status: criteria provided, single submitter. Criteria: Ambry Variant Classification Scheme 2023. Collection method: clinical testing. Allele origin: germline.

Breakthrough Genomics
Classification: Likely benign. Review status: criteria provided, single submitter. Criteria: ACMG Guidelines, 2015. Collection method: not provided. Allele origin: germline. Inheritance: X-linked inheritance. Affected: yes.

Natera, Inc.
Classification: Likely benign for Pyruvate decarboxylase deficiency. Last evaluated: 2020-10-30. Review status: no assertion criteria provided. Collection method: clinical testing. Allele origin: germline. Not counted in ClinVar's aggregate classification.

NM_000284.4(PDHA1):c.798A>G (p.Thr266=)

Gene: PDHA1 (pyruvate dehydrogenase E1 subunit alpha 1; plus strand). Cytogenetic location: Xp22.12.
Variant type: single nucleotide variant.
Coding change: c.798A>G on transcript NM_000284.4 (MANE Select); coding-DNA position 798, A replaced by G.
Protein change: p.Thr266=; no amino-acid change (threonine 266 retained).
Molecular consequence: synonymous variant.
Genome position (GRCh38, 1-based): chrX:19,355,724, A>G. VCF-style: chrX-19355724-A-G. GRCh37 (hg19) VCF-style: chrX-19373842-A-G.
Other names: c.912A>G, p.Thr304= (NM_001173454.2); c.819A>G, p.Thr273= (NM_001173455.2); c.705A>G, p.Thr235= (NM_001173456.2); c.912A>G (NM_001173454.1).
Identifiers: ClinVar variation 378342 (VCV000378342.22), dbSNP rs35752213, ClinGen allele CA10363117.